The following is an entry in ClinVar:

NM_003597.5(KLF11):c.81G>A (p.Arg27=)

Gene: KLF11 (KLF transcription factor 11; plus strand). Cytogenetic location: 2p25.1.
Variant type: single nucleotide variant.
Coding change: c.81G>A on transcript NM_003597.5 (MANE Select); coding-DNA position 81, G replaced by A.
Protein change: p.Arg27=; no amino-acid change (arginine 27 retained).
Molecular consequence: synonymous variant.
Genome position (GRCh38, 1-based): chr2:10,046,188, G>A. VCF-style: chr2-10046188-G-A. GRCh37 (hg19) VCF-style: chr2-10186315-G-A.
Other names: c.30G>A, p.Arg10= (NM_001177716.2, NM_001177718.2).
Identifiers: ClinVar variation 4980598 (VCV004980598.1).
Genomic context (GRCh38, chr2:10,046,188, plus strand): 5'-CGTTGTGTTGTGTCGCCTTTAGGTTGACATCATGGACATATGTGAGTCCATCCTGGAGAG[G>A]AAGCGGCATGACAGCGAAAGGTCTACTTGCAGCATCTTGGAGCAGACAGACATGGAAGCT-3'
Protein context (NP_003588.1, residues 17-37): IMDICESILE[Arg27=]KRHDSERSTC

ClinVar aggregate classification (germline): Likely benign (1 of 4 stars; one submission).

Conditions:
KLF11-related disorder. Also called: KLF11-related condition.

gnomAD v4.1: 7 of 1,614,154 alleles (0.00043%); highest among the groups gnomAD compares: Non-Finnish European, 0.00059%; no homozygotes.

Submission:

PreventionGenetics, part of Exact Sciences
Classification: Likely benign for KLF11-related condition. Last evaluated: 2025-12-02. Review status: criteria provided, single submitter. Criteria: ACMG Guidelines, 2015. Collection method: clinical testing. Allele origin: germline.
Comment: This variant is classified as likely benign based on ACMG/AMP sequence variant interpretation guidelines (Richards et al. 2015 PMID: 25741868, with internal and published modifications).